The following is an entry in ClinVar:

NM_000088.4(COL1A1):c.1108C>T (p.Arg370Cys)

Gene: COL1A1 (collagen type I alpha 1 chain; minus strand). Cytogenetic location: 17q21.33.
Variant type: single nucleotide variant.
Coding change: c.1108C>T on transcript NM_000088.4 (MANE Select); coding-DNA position 1108, C replaced by T.
Protein change: p.Arg370Cys; replaces arginine 370 with cysteine.
Molecular consequence: missense variant.
Genome position (GRCh38, 1-based): chr17:50,195,614, G>A on the plus strand (C>T on the coding strand, the complement: COL1A1 is on the minus strand). VCF-style: chr17-50195614-G-A. GRCh37 (hg19) VCF-style: chr17-48272975-G-A.
Other names: short protein forms R370C.
Identifiers: ClinVar variation 1703953 (VCV001703953.8), dbSNP rs758897245, ClinGen allele CA8645394.

ClinVar aggregate classification (germline): Uncertain significance. Review status: criteria provided, multiple submitters, no conflicts (2 of 4 stars). 3 submissions from 3 submitters: Uncertain significance (3). Last evaluated 2026-09-03.

Conditions:
Osteogenesis imperfecta type I (OI1). Also called: Osteogenesis imperfecta type 1; Lobstein's Disease; Lobstein disease; OI, TYPE I; OSTEOGENESIS IMPERFECTA TARDA; OSTEOGENESIS IMPERFECTA WITH BLUE SCLERAE. Identifiers: Orphanet 216796, Orphanet 666, MedGen C0023931, MONDO:0008146, OMIM 166200. Disease mechanism: loss of function.

Allele frequency attached by ClinVar (database versions not stated): ExAC 0.00001; gnomAD exomes 0.00001; TOPMed 0.00001.
gnomAD v4.1: 8 of 1,613,822 alleles (0.0005%); highest among the groups gnomAD compares: African/African-American, 0.0027%; no homozygotes.

Submissions (3):

GeneDx
Classification: Uncertain significance. Last evaluated: 2026-09-03. Review status: criteria provided, single submitter. Criteria: GeneDx Variant Classification Process June 2021. Collection method: clinical testing. Allele origin: germline.
Comment: Not observed at significant frequency in large population cohorts (gnomAD); In silico analysis supports that this missense variant has a deleterious effect on protein structure/function; Has not been previously published as pathogenic or benign to our knowledge; Occurs in the triple helical domain at the Y position in the canonical Gly-X-Y repeat; although this variant may have an effect on normal protein folding and function, missense substitution at the Y position is not a common mechanism of disease (HGMD)

Labcorp Genetics (formerly Invitae), Labcorp
Classification: Uncertain significance for Osteogenesis imperfecta type I. Last evaluated: 2023-04-30. Review status: criteria provided, single submitter. Criteria: Invitae Variant Classification Sherloc (09022015). Collection method: clinical testing. Allele origin: germline.
Comment: In summary, the available evidence is currently insufficient to determine the role of this variant in disease. Therefore, it has been classified as a Variant of Uncertain Significance. Advanced modeling of protein sequence and biophysical properties (such as structural, functional, and spatial information, amino acid conservation, physicochemical variation, residue mobility, and thermodynamic stability) performed at Invitae indicates that this missense variant is expected to disrupt COL1A1 protein function. ClinVar contains an entry for this variant (Variation ID: 1703953). This variant has not been reported in the literature in individuals affected with COL1A1-related conditions. This variant is present in population databases (rs758897245, gnomAD 0.003%). This sequence change replaces arginine, which is basic and polar, with cysteine, which is neutral and slightly polar, at codon 370 of the COL1A1 protein (p.Arg370Cys).

Revvity Omics, Revvity
Classification: Uncertain significance. Last evaluated: 2023-02-01. Review status: criteria provided, single submitter. Criteria: ACMG Guidelines, 2015. Collection method: clinical testing. Allele origin: germline.